The following is an entry in ClinVar:

ClinVar aggregate classification (germline): Likely pathogenic (1 of 4 stars; one submission).

Conditions:
Developmental and epileptic encephalopathy 6B. Also called: Developmental and epileptic encephalopathy 6B, non-Dravet. Identifiers: MedGen C5543353, MONDO:0030268, OMIM 619317.

Submission:

Neuberg Centre For Genomic Medicine, NCGM
Classification: Likely pathogenic for Developmental and epileptic encephalopathy 6B. Review status: criteria provided, single submitter. Criteria: ACMG Guidelines, 2015. Collection method: clinical testing. Allele origin: germline. Inheritance: Autosomal dominant inheritance. Affected: yes.
Comment: The stop gained (c.4380T>G) variant has not been reported previously as a pathogenic variant nor as a benign variant, to our knowledge. The c.4380T>G variant is novel (not in any individuals) in gnomAD Exomes and 1000 Genomes. The nucleotide change c.4380T>G in SCN1A is predicted as conserved by GERP++ and PhyloP across 100 vertebrates. This variant is predicted to cause loss of normal protein function through protein truncation. Loss of function variants have been previously reported to be disease causing. For these reasons, this variant has been classified as Likely Pathogenic.

NM_001165963.4(SCN1A):c.4380T>G (p.Tyr1460Ter)

Genes: SCN1A (sodium voltage-gated channel alpha subunit 1; minus strand), LOC102724058 (uncharacterized LOC102724058; plus strand). Cytogenetic location: 2q24.3.
Variant type: single nucleotide variant.
Coding change: c.4380T>G on transcript NM_001165963.4 (MANE Select); coding-DNA position 4380, T replaced by G.
Protein change: p.Tyr1460Ter; replaces tyrosine 1460 with a stop codon.
Molecular consequence: nonsense. On other transcripts: non-coding transcript variant (1).
Genome position (GRCh38, 1-based): chr2:165,998,134, A>C on the plus strand (T>G on the coding strand, the complement: SCN1A is on the minus strand). VCF-style: chr2-165998134-A-C. GRCh37 (hg19) VCF-style: chr2-166854644-A-C.
Other names: c.4296T>G, p.Tyr1432Ter (NM_001165964.3, NM_001353957.2, NM_001353958.2); c.4380T>G, p.Tyr1460Ter (NM_001202435.3, NM_001353948.2); c.4347T>G, p.Tyr1449Ter (NM_001353949.2, NM_001353950.2, NM_001353951.2 and 2 more transcripts); c.4344T>G, p.Tyr1448Ter (NM_001353954.2, NM_001353955.2); c.4293T>G, p.Tyr1431Ter (NM_001353960.2); c.1938T>G, p.Tyr646Ter (NM_001353961.2); short protein forms Y1432*, Y1448*, Y1431*, Y1449*, Y1460*, Y646*.
Identifiers: ClinVar variation 2584799 (VCV002584799.1), dbSNP rs2468394870, ClinGen allele CA349049419.